The following is an entry in ClinVar:

ClinVar aggregate classification (germline): Likely benign. Review status: criteria provided, multiple submitters, no conflicts (2 of 4 stars). 3 submissions from 3 submitters: Likely benign (2). 1 of the submissions does not count toward it. Last evaluated 2025-10-17.

Conditions:
FAR1-related disorder. Also called: FAR1-related condition.

Allele frequency attached by ClinVar (database versions not stated): ExAC 0.00001; gnomAD 0.00003; gnomAD exomes 0.00003.
gnomAD v4.1: 47 of 1,611,270 alleles (0.0029%); highest among the groups gnomAD compares: Non-Finnish European, 0.004%; no homozygotes.

Submissions (3):

Labcorp Genetics (formerly Invitae), Labcorp
Classification: Likely benign. Last evaluated: 2025-10-17. Review status: criteria provided, single submitter. Criteria: Invitae Variant Classification Sherloc (09022015). Collection method: clinical testing. Allele origin: germline.

Blueprint Genetics
Classification: Likely benign. Last evaluated: 2024-10-11. Review status: criteria provided, single submitter. Criteria: ACMG Guidelines, 2015. Collection method: clinical testing. Allele origin: germline.

PreventionGenetics, part of Exact Sciences
Classification: Likely benign for FAR1-related condition. Last evaluated: 2021-08-12. Review status: no assertion criteria provided. Collection method: clinical testing. Allele origin: germline. Not counted in ClinVar's aggregate classification.
Comment: This variant is classified as likely benign based on ACMG/AMP sequence variant interpretation guidelines (Richards et al. 2015 PMID: 25741868, with internal and published modifications).

NM_032228.6(FAR1):c.1158A>G (p.Lys386=)

Gene: FAR1 (fatty acyl-CoA reductase 1; plus strand). Cytogenetic location: 11p15.3.
Variant type: single nucleotide variant.
Coding change: c.1158A>G on transcript NM_032228.6 (MANE Select); coding-DNA position 1158, A replaced by G.
Protein change: p.Lys386=; no amino-acid change (lysine 386 retained).
Molecular consequence: synonymous variant.
Genome position (GRCh38, 1-based): chr11:13,721,760, A>G. VCF-style: chr11-13721760-A-G. GRCh37 (hg19) VCF-style: chr11-13743307-A-G.
Other names: c.1158A>G (NM_032228.5).
Identifiers: ClinVar variation 1405910 (VCV001405910.9), dbSNP rs781428789, ClinGen allele CA5893477.